The following is an entry in ClinVar:

NM_005045.4(RELN):c.5248_5249delinsCT (p.Tyr1750Leu)

Gene: RELN (reelin; minus strand). Cytogenetic location: 7q22.1.
Variant type: Indel.
Coding change: c.5248_5249delinsCT on transcript NM_005045.4 (MANE Select); coding-DNA positions 5248 to 5249, TA replaced by CT.
Protein change: p.Tyr1750Leu; replaces tyrosine 1750 with leucine.
Molecular consequence: missense variant.
Genome position (GRCh38, 1-based): chr7:103,561,915-103,561,916, TA replaced by AG on the plus strand (TA replaced by CT on the coding strand, the reverse complement: RELN is on the minus strand). VCF-style: chr7-103561915-TA-AG. GRCh37 (hg19) VCF-style: chr7-103202362-TA-AG.
Other names: c.5248_5249delinsCT, p.Tyr1750Leu (NM_173054.3); short protein forms Y1750L.
Identifiers: ClinVar variation 1519967 (VCV001519967.6), dbSNP rs2117178648, ClinGen allele CA2573141393.

ClinVar aggregate classification (germline): Uncertain significance (1 of 4 stars; one submission).

Conditions:
Familial temporal lobe epilepsy 7. Identifiers: Orphanet 101046, MedGen C4225327, MONDO:0014639, OMIM 616436.
Norman-Roberts syndrome (LIS2). Also called: Lissencephaly 2 (Norman-Roberts type). Identifiers: Orphanet 89844, MedGen C0796089, MONDO:0009760, OMIM 257320.

Submission:

Labcorp Genetics (formerly Invitae), Labcorp
Classification: Uncertain significance for Familial temporal lobe epilepsy 7; Norman-Roberts syndrome. Last evaluated: 2024-01-24. Review status: criteria provided, single submitter. Criteria: Invitae Variant Classification Sherloc (09022015). Collection method: clinical testing. Allele origin: germline.
Comment: This sequence change replaces tyrosine, which is neutral and polar, with leucine, which is neutral and non-polar, at codon 1750 of the RELN protein (p.Tyr1750Leu). Information on the frequency of this variant in the gnomAD database is not available, as this variant may be reported differently in the database. This variant has not been reported in the literature in individuals affected with RELN-related conditions. ClinVar contains an entry for this variant (Variation ID: 1519967). An algorithm developed to predict the effect of missense changes on protein structure and function (PolyPhen-2) suggests that this variant is likely to be disruptive. In summary, the available evidence is currently insufficient to determine the role of this variant in disease. Therefore, it has been classified as a Variant of Uncertain Significance.